The following is an entry in ClinVar:

NM_007294.4(BRCA1):c.588T>C (p.Tyr196=)

Gene: BRCA1 (BRCA1 DNA repair associated; minus strand). Cytogenetic location: 17q21.31.
Variant type: single nucleotide variant.
Coding change: c.588T>C on transcript NM_007294.4 (MANE Select); coding-DNA position 588, T replaced by C.
Protein change: p.Tyr196=; no amino-acid change (tyrosine 196 retained).
Molecular consequence: synonymous variant. On other transcripts: intron variant (115).
Genome position (GRCh38, 1-based): chr17:43,097,249, A>G on the plus strand (T>C on the coding strand, the complement: BRCA1 is on the minus strand). VCF-style: chr17-43097249-A-G. GRCh37 (hg19) VCF-style: chr17-41249266-A-G.
Other names: c.375T>C, p.Tyr125= (NM_001407571.1, NM_001407853.1, NM_001407894.1 and 12 more transcripts); c.588T>C, p.Tyr196= (NM_001407581.1, NM_001407582.1, NM_001407583.1 and 59 more transcripts); c.585T>C, p.Tyr195= (NM_001407587.1, NM_001407590.1, NM_001407591.1 and 41 more transcripts); c.579T>C, p.Tyr193= (NM_001407646.1, NM_001407647.1, NM_001408408.1); c.510T>C, p.Tyr170= (NM_001407653.1, NM_001407654.1, NM_001407655.1 and 9 more transcripts); c.507T>C, p.Tyr169= (NM_001407659.1, NM_001407660.1, NM_001407661.1 and 3 more transcripts); c.447T>C, p.Tyr149= (NM_001407692.1, NM_001407694.1, NM_001407695.1 and 43 more transcripts); c.444T>C, p.Tyr148= (NM_001407740.1, NM_001407741.1, NM_001407742.1 and 26 more transcripts); and 17 more.
Identifiers: ClinVar variation 427256 (VCV000427256.20), dbSNP rs1131692071, ClinGen allele CA500124130.
Genomic context (GRCh38, chr17:43,097,249, plus strand): 5'-TATTAACTAAATAGGAAAATACCAGCTTCATAGACAAAGGTTCTCTTTGACTCACCTGCA[A>G]TAAGTTGCCTTATTAACGGTATCTTCAGAAGAATCAGATCCTAAAAAATTTCCCCCCAAA-3'
Protein context (NP_009225.1, residues 186-206): SSEDTVNKAT[Tyr196=]CSVGDQELLQ

ClinVar aggregate classification (germline): Likely benign. Review status: reviewed by expert panel (3 of 4 stars). 3 submissions from 3 submitters: Likely benign (1). 2 of the submissions do not count toward it. Last evaluated 2017-06-29.

Conditions:
Hereditary breast ovarian cancer syndrome. Also called: Hereditary breast and ovarian cancer syndrome (HBOC); BRCA1- and BRCA2-Associated Hereditary Breast and Ovarian Cancer; Hereditary breast and/or ovarian cancer syndrome; Hereditary breast and ovarian cancer syndrome; Hereditary breast and ovarian cancer; Breast and ovarian cancer. Identifiers: Orphanet 145, MedGen C0677776, MeSH D061325, MONDO:0003582. Disease mechanism: loss of function.
Hereditary cancer-predisposing syndrome. Also called: Neoplastic Syndromes, Hereditary; Hereditary neoplastic syndrome; Tumor predisposition; Hereditary Cancer Syndrome. Identifiers: Orphanet 140162, MedGen C0027672, MeSH D009386, MONDO:0015356.
Breast-ovarian cancer, familial, susceptibility to, 1 (BROVCA1). Also called: BRCA1 Hereditary Breast and Ovarian Cancer; OVARIAN CANCER, SUSCEPTIBILITY TO. Identifiers: Orphanet 145, MedGen C2676676, MONDO:0011450, OMIM 604370. Disease mechanism: loss of function.

Submissions (3):

Evidence-based Network for the Interpretation of Germline Mutant Alleles (ENIGMA)
Classification: Likely benign for Breast-ovarian cancer, familial, susceptibility to, 1. Last evaluated: 2017-06-29. Review status: reviewed by expert panel. Criteria: ENIGMA BRCA1/2 Classification Criteria (2017-06-29). Collection method: curation. Allele origin: germline.
Comment: Synonymous substitution variant, with low bioinformatic likelihood to result in a splicing aberration (Splicing prior probability 0.02).

Labcorp Genetics (formerly Invitae), Labcorp
Classification: Likely benign for Hereditary breast ovarian cancer syndrome. Last evaluated: 2024-09-24. Review status: criteria provided, single submitter. Criteria: Invitae Variant Classification Sherloc (09022015). Collection method: clinical testing. Allele origin: germline. Not counted in ClinVar's aggregate classification.

Ambry Genetics
Classification: Likely benign for Hereditary cancer-predisposing syndrome. Last evaluated: 2022-07-17. Review status: criteria provided, single submitter. Criteria: Ambry Variant Classification Scheme 2023. Collection method: clinical testing. Allele origin: germline. Not counted in ClinVar's aggregate classification.